The following is an entry in ClinVar:

ClinVar aggregate classification (germline): Benign/Likely benign. Review status: criteria provided, multiple submitters, no conflicts (2 of 4 stars). 2 submissions from 2 submitters: Benign (1); Likely benign (1). Last evaluated 2026-09-06.

Conditions:
Hereditary cancer-predisposing syndrome. Also called: Neoplastic Syndromes, Hereditary; Tumor predisposition; Hereditary neoplastic syndrome; Hereditary Cancer Syndrome. Identifiers: Orphanet 140162, MedGen C0027672, MeSH D009386, MONDO:0015356.
DICER1-related tumor predisposition. Also called: DICER1 syndrome; DICER1-related pleuropulmonary blastoma cancer predisposition syndrome. Identifiers: Orphanet 284343, MedGen C3839822, MONDO:0100216.

Submissions (2):

Ambry Genetics
Classification: Likely benign for Hereditary cancer-predisposing syndrome. Last evaluated: 2026-09-06. Review status: criteria provided, single submitter. Criteria: Ambry Variant Classification Scheme 2023. Collection method: clinical testing. Allele origin: germline.

Myriad Genetics, Inc.
Classification: Benign for DICER1-related tumor predisposition. Last evaluated: 2026-08-19. Review status: criteria provided, single submitter. Criteria: Myriad Autosomal Dominant, Autosomal Recessive and X-Linked Classification Criteria (2023). Collection method: clinical testing. Allele origin: unknown.
Comment: This variant is considered benign. This variant is a silent/synonymous amino acid change and it is not expected to impact splicing.

NM_177438.3(DICER1):c.4338T>C (p.Asp1446=)

Gene: DICER1 (dicer 1, ribonuclease III; minus strand). Cytogenetic location: 14q32.13.
Variant type: single nucleotide variant.
Coding change: c.4338T>C on transcript NM_177438.3 (MANE Select); coding-DNA position 4338, T replaced by C.
Protein change: p.Asp1446=; no amino-acid change (aspartic acid 1446 retained).
Molecular consequence: synonymous variant. On other transcripts: non-coding transcript variant (6).
Genome position (GRCh38, 1-based): chr14:95,096,582, A>G on the plus strand (T>C on the coding strand, the complement: DICER1 is on the minus strand). VCF-style: chr14-95096582-A-G. GRCh37 (hg19) VCF-style: chr14-95562919-A-G.
Other names: c.4338T>C, p.Asp1446= (NM_001395677.1, NM_001395678.1, NM_001395679.1 and 12 more transcripts); c.4056T>C, p.Asp1352= (NM_001395686.1); c.3933T>C, p.Asp1311= (NM_001395687.1, NM_001395688.1, NM_001395689.1 and 2 more transcripts); c.3771T>C, p.Asp1257= (NM_001395691.1); c.2655T>C, p.Asp885= (NM_001395697.1).
Identifiers: ClinVar variation 5035337 (VCV005035337.2).